The following is an entry in ClinVar:

ClinVar aggregate classification (germline): Likely benign (0 of 4 stars; one submission).

Conditions:
CAPN15-related disorder. Also called: CAPN15-related condition.

gnomAD v4.1: 23 of 1,591,256 alleles (0.0014%); highest among the groups gnomAD compares: Middle Eastern, 0.037%; no homozygotes.

Submission:

PreventionGenetics, part of Exact Sciences
Classification: Likely benign for CAPN15-related condition. Last evaluated: 2019-06-07. Review status: no assertion criteria provided. Collection method: clinical testing. Allele origin: germline.
Comment: This variant is classified as likely benign based on ACMG/AMP sequence variant interpretation guidelines (Richards et al. 2015 PMID: 25741868, with internal and published modifications).

NM_005632.3(CAPN15):c.1677G>A (p.Ala559=)

Gene: CAPN15 (calpain 15; plus strand). Cytogenetic location: 16p13.3.
Variant type: single nucleotide variant.
Coding change: c.1677G>A on transcript NM_005632.3 (MANE Select); coding-DNA position 1677, G replaced by A.
Protein change: p.Ala559=; no amino-acid change (alanine 559 retained).
Molecular consequence: synonymous variant.
Genome position (GRCh38, 1-based): chr16:549,306, G>A. VCF-style: chr16-549306-G-A. GRCh37 (hg19) VCF-style: chr16-599306-G-A.
Identifiers: ClinVar variation 3044481 (VCV003044481.2), dbSNP rs1176553372, ClinGen allele CA492999862.
Genomic context (GRCh38, chr16:549,306, plus strand): 5'-CCGGCCGCGGTCCCCGCGAGGTCACCCTGAGGCTCTGCGCAGGTTCCTGAGCGCCCTGGC[G>A]GTGCTGGCGGAGCGGCCGGACCTGGTGGAGCGGGTGATGGTCACGCGCAGCCTGTGTGCA-3'
Protein context (NP_005623.1, residues 549-569): LGNCWFLSAL[Ala559=]VLAERPDLVE